The following is an entry in ClinVar:

NM_001367624.2(ZNF469):c.9803G>A (p.Gly3268Asp)

Gene: ZNF469 (zinc finger protein 469; plus strand). Cytogenetic location: 16q24.2.
Variant type: single nucleotide variant.
Coding change: c.9803G>A on transcript NM_001367624.2 (MANE Select); coding-DNA position 9803, G replaced by A.
Protein change: p.Gly3268Asp; replaces glycine 3268 with aspartic acid.
Molecular consequence: missense variant.
Genome position (GRCh38, 1-based): chr16:88,437,273, G>A. VCF-style: chr16-88437273-G-A. GRCh37 (hg19) VCF-style: chr16-88503681-G-A.
Other names: NM_001127464.1:c.9719G>A; short protein forms G3268D.
Identifiers: ClinVar variation 1517453 (VCV001517453.7), dbSNP rs749570458, ClinGen allele CA8225453.

ClinVar aggregate classification (germline): Conflicting classifications of pathogenicity. Review status: criteria provided, conflicting classifications (1 of 4 stars). 2 submissions from 2 submitters: Uncertain significance (1); Likely benign (1). Last evaluated 2025-05-14.

Conditions:
Cardiovascular phenotype. Identifiers: MedGen CN230736.

Allele frequency attached by ClinVar (database versions not stated): gnomAD exomes 0.00001 and 0.00003; ExAC 0.00008.
gnomAD v4.1: 12 of 1,548,388 alleles (0.00077%); highest among the groups gnomAD compares: East Asian, 0.015%; no homozygotes.

Submissions (2):

Ambry Genetics
Classification: Likely benign for Cardiovascular phenotype. Last evaluated: 2025-05-14. Review status: criteria provided, single submitter. Criteria: Ambry Variant Classification Scheme 2023. Collection method: clinical testing. Allele origin: germline.

Labcorp Genetics (formerly Invitae), Labcorp
Classification: Uncertain significance. Last evaluated: 2025-01-13. Review status: criteria provided, single submitter. Criteria: Invitae Variant Classification Sherloc (09022015). Collection method: clinical testing. Allele origin: germline.
Comment: This sequence change replaces glycine, which is neutral and non-polar, with aspartic acid, which is acidic and polar, at codon 3240 of the ZNF469 protein (p.Gly3240Asp). This variant is present in population databases (rs749570458, gnomAD 0.02%). This variant has not been reported in the literature in individuals affected with ZNF469-related conditions. ClinVar contains an entry for this variant (Variation ID: 1517453). An algorithm developed to predict the effect of missense changes on protein structure and function (PolyPhen-2) suggests that this variant¬†is likely to be tolerated. In summary, the available evidence is currently insufficient to determine the role of this variant in disease. Therefore, it has been classified as a Variant of Uncertain Significance.